The following is an entry in ClinVar:

NM_000410.4(HFE):c.496A>G (p.Lys166Glu)

Gene: HFE (homeostatic iron regulator; plus strand). Cytogenetic location: 6p22.2.
Variant type: single nucleotide variant.
Coding change: c.496A>G on transcript NM_000410.4 (MANE Select); coding-DNA position 496, A replaced by G.
Protein change: p.Lys166Glu; replaces lysine 166 with glutamic acid.
Molecular consequence: missense variant. On other transcripts: intron variant (4).
Genome position (GRCh38, 1-based): chr6:26,091,469, A>G. VCF-style: chr6-26091469-A-G. GRCh37 (hg19) VCF-style: chr6-26091697-A-G.
Other names: c.496A>G, p.Lys166Glu (NM_001300749.3, NM_001384164.1, NM_001406751.1 and 1 more transcripts); c.232A>G, p.Lys78Glu (NM_001406752.1, NM_139007.3, NM_139008.3); c.427A>G, p.Lys143Glu (NM_139009.3); c.340+365A>G (NM_139004.3, NM_139003.3); c.77-1216A>G (NM_139010.3); c.77-1650A>G (NM_139011.3); short protein forms K143E, K166E, K78E.
Identifiers: ClinVar variation 1193507 (VCV001193507.8), dbSNP rs144170531, ClinGen allele CA3666663.

ClinVar aggregate classification (germline): Uncertain significance. Review status: criteria provided, multiple submitters, no conflicts (2 of 4 stars). 3 submissions from 3 submitters: Uncertain significance (3). Last evaluated 2023-02-08.

Conditions:
Hereditary hemochromatosis (HFE). Identifiers: MedGen C0392514, MONDO:0006507. Disease mechanism: loss of function.
Hemochromatosis type 1 (HFE1). Also called: HFE-Related Hemochromatosis; HFE-Associated Hereditary Hemochromatosis. Identifiers: Orphanet 465508, MedGen C3469186, MONDO:0021001, OMIM 235200. Disease mechanism: loss of function.

Allele frequency attached by ClinVar (database versions not stated): gnomAD exomes 0.00001 and 0.00004; ExAC 0.00007; 1000 Genomes Project 30x 0.00016; 1000 Genomes Project 0.00020; gnomAD 0.00023 and 0.00026; TOPMed 0.00023; ESP Exome Variant Server 0.00031.
gnomAD v4.1: 54 of 1,614,138 alleles (0.0033%); highest among the groups gnomAD compares: African/African-American, 0.071%; no homozygotes.

Submissions (3):

Genome-Nilou Lab
Classification: Uncertain significance for Hemochromatosis type 1. Last evaluated: 2023-02-08. Review status: criteria provided, single submitter. Criteria: ACMG Guidelines, 2015. Collection method: clinical testing. Allele origin: germline.

Labcorp Genetics (formerly Invitae), Labcorp
Classification: Uncertain significance for Hereditary hemochromatosis. Last evaluated: 2021-08-31. Review status: criteria provided, single submitter. Criteria: Invitae Variant Classification Sherloc (09022015). Collection method: clinical testing. Allele origin: germline.
Comment: This sequence change replaces lysine with glutamic acid at codon 166 of the HFE protein (p.Lys166Glu). The lysine residue is highly conserved and there is a small physicochemical difference between lysine and glutamic acid. This variant is present in population databases (rs144170531, ExAC 0.09%). This variant has not been reported in the literature in individuals affected with HFE-related conditions. Algorithms developed to predict the effect of missense changes on protein structure and function (SIFT, PolyPhen-2, Align-GVGD) all suggest that this variant is likely to be disruptive. In summary, the available evidence is currently insufficient to determine the role of this variant in disease. Therefore, it has been classified as a Variant of Uncertain Significance.

GeneDx
Classification: Uncertain significance. Last evaluated: 2021-01-27. Review status: criteria provided, single submitter. Criteria: GeneDx Variant Classification Process June 2021. Collection method: clinical testing. Allele origin: germline. Affected: yes.
Comment: In silico analysis supports that this missense variant has a deleterious effect on protein structure/function; Has not been previously published as pathogenic or benign to our knowledge